The following is an entry in ClinVar:

ClinVar aggregate classification (germline): Benign (1 of 4 stars; one submission).

Allele frequency attached by ClinVar (database versions not stated): TOPMed 0.66869; gnomAD 0.68248 and 0.69118; 1000 Genomes Project 30x 0.68988; 1000 Genomes Project 0.70148.
gnomAD v4.1: 105,170 of 151,970 alleles (69%); highest among the groups gnomAD compares: East Asian, 87%; 37,632 homozygotes.

Submission:

GeneDx
Classification: Benign. Last evaluated: 2018-06-14. Review status: criteria provided, single submitter. Criteria: GeneDx Variant Classification (06012015). Collection method: clinical testing. Allele origin: germline. Affected: yes.
Comment: This variant is considered likely benign or benign based on one or more of the following criteria: it is a conservative change, it occurs at a poorly conserved position in the protein, it is predicted to be benign by multiple in silico algorithms, and/or has population frequency not consistent with disease.

NM_005726.6(TSFM):c.484-174A>G

Gene: TSFM (Ts translation elongation factor, mitochondrial; plus strand). Cytogenetic location: 12q14.1.
Variant type: single nucleotide variant.
Coding change: c.484-174A>G on transcript NM_005726.6 (MANE Select); 174 bases into the intron before coding-DNA position 484, A replaced by G.
Molecular consequence: intron variant.
Genome position (GRCh38, 1-based): chr12:57,792,812, A>G. VCF-style: chr12-57792812-A-G. GRCh37 (hg19) VCF-style: chr12-58186595-A-G.
Other names: c.484-174A>G (NM_001172697.2); c.547-174A>G (NM_001172696.2); c.484-3365A>G (NM_001172695.2).
Identifiers: ClinVar variation 678634 (VCV000678634.1), dbSNP rs4631925, ClinGen allele CA13668395.